The following is an entry in ClinVar:

ClinVar aggregate classification (germline): Uncertain significance (1 of 4 stars; one submission).

Conditions:
DYRK1B-related disorder. Also called: DYRK1B-related condition.

gnomAD v4.1: 17 of 1,434,298 alleles (0.0012%); highest among the groups gnomAD compares: East Asian, 0.0028%; no homozygotes.

Submission:

PreventionGenetics, part of Exact Sciences
Classification: Uncertain significance for DYRK1B-related condition. Last evaluated: 2025-09-21. Review status: criteria provided, single submitter. Criteria: ACMG Guidelines, 2015. Collection method: clinical testing. Allele origin: germline.
Comment: The DYRK1B c.1148C>T variant is predicted to result in the amino acid substitution p.Thr383Met. To our knowledge, this variant has not been reported in the literature. This variant is reported in 0.011% of alleles in individuals of European (Non-Finnish) descent in gnomAD. Although we suspect that this variant may be benign, at this time, the clinical significance of this variant is uncertain due to the absence of conclusive functional and genetic evidence.

NM_004714.3(DYRK1B):c.1148C>T (p.Thr383Met)

Gene: DYRK1B (dual specificity tyrosine phosphorylation regulated kinase 1B; minus strand). Cytogenetic location: 19q13.2.
Variant type: single nucleotide variant.
Coding change: c.1148C>T on transcript NM_004714.3 (MANE Select); coding-DNA position 1148, C replaced by T.
Protein change: p.Thr383Met; replaces threonine 383 with methionine.
Molecular consequence: missense variant. On other transcripts: intron variant (2).
Genome position (GRCh38, 1-based): chr19:39,826,935, G>A on the plus strand (C>T on the coding strand, the complement: DYRK1B is on the minus strand). VCF-style: chr19-39826935-G-A. GRCh37 (hg19) VCF-style: chr19-40317575-G-A.
Other names: c.1096-68C>T (NM_006483.3); c.1131+17C>T (NM_006484.3); short protein forms T383M.
Identifiers: ClinVar variation 4977475 (VCV004977475.1).